The following is an entry in ClinVar:

NM_001080517.3(SETD5):c.664A>T (p.Thr222Ser)

Gene: SETD5 (SET domain containing 5; plus strand). Cytogenetic location: 3p25.3.
Variant type: single nucleotide variant.
Coding change: c.664A>T on transcript NM_001080517.3 (MANE Select); coding-DNA position 664, A replaced by T.
Protein change: p.Thr222Ser; replaces threonine 222 with serine.
Molecular consequence: missense variant.
Genome position (GRCh38, 1-based): chr3:9,440,552, A>T. VCF-style: chr3-9440552-A-T. GRCh37 (hg19) VCF-style: chr3-9482236-A-T.
Other names: c.370A>T, p.Thr124Ser (NM_001292043.2, NM_001349451.2); c.760A>T, p.Thr254Ser (NM_001437633.1); c.721A>T, p.Thr241Ser (NM_001437635.1); c.664A>T, p.Thr222Ser (NM_001437643.1); c.703A>T, p.Thr235Ser (NM_001437701.1); short protein forms T124S, T222S, T235S, T241S, T254S.
Identifiers: ClinVar variation 4885410 (VCV004885410.2).

ClinVar aggregate classification (germline): Uncertain significance (1 of 4 stars; one submission).

Submission:

Dasa
Classification: Uncertain significance. Last evaluated: 2026-04-14. Review status: criteria provided, single submitter. Criteria: DASA Assertion Criteria. Collection method: clinical testing. Allele origin: germline.
Comment: NM_001080517.3(SETD5):c.664A>T (p.Thr222Ser) is a missense variant that results in the substitution of threonine with serine. This variant is rare in population databases. The currently available literature and clinical evidence are not sufficient to establish a definitive association between this variant and the reported condition. Therefore, this variant is classified as a variant of uncertain significance.